The following is an entry in ClinVar:

NM_020937.4(FANCM):c.856G>C (p.Val286Leu)

Gene: FANCM (FA complementation group M; plus strand). Cytogenetic location: 14q21.2.
Variant type: single nucleotide variant.
Coding change: c.856G>C on transcript NM_020937.4 (MANE Select); coding-DNA position 856, G replaced by C.
Protein change: p.Val286Leu; replaces valine 286 with leucine.
Molecular consequence: missense variant.
Genome position (GRCh38, 1-based): chr14:45,148,933, G>C. VCF-style: chr14-45148933-G-C. GRCh37 (hg19) VCF-style: chr14-45618136-G-C.
Other names: c.778G>C, p.Val260Leu (NM_001308133.2); c.856G>C, p.Val286Leu (NM_001308134.2); short protein forms V260L, V286L.
Identifiers: ClinVar variation 4871171 (VCV004871171.1).
Genomic context (GRCh38, chr14:45,148,933, plus strand): 5'-CAGATAGAGCTTCGTTCTGAAGATTCTCCAGATATTTTGACATATTCTCATGAAAGAAAA[G>C]TTGAAAAGCTTATTGTTCCGCTTGGTGAAGAACTTGCAGCCATCCAAAAGACCTATATCC-3'
Protein context (NP_065988.1, residues 276-296): DILTYSHERK[Val286Leu]EKLIVPLGEE

ClinVar aggregate classification (germline): Uncertain significance (1 of 4 stars; one submission).

Conditions:
Inborn genetic diseases. Identifiers: MedGen C0950123, MeSH D030342.

Submission:

Ambry Genetics
Classification: Uncertain significance for Inborn genetic diseases. Last evaluated: 2026-06-01. Review status: criteria provided, single submitter. Criteria: Ambry Variant Classification Scheme 2023. Collection method: clinical testing. Allele origin: germline.
Comment: The p.V286L variant (also known as c.856G>C), located in coding exon 4 of the FANCM gene, results from a G to C substitution at nucleotide position 856. The valine at codon 286 is replaced by leucine, an amino acid with highly similar properties. This amino acid position is conserved. In addition, this alteration is predicted to be tolerated by in silico analysis. Based on the available evidence, the clinical significance of this variant remains unclear.